The following is an entry in ClinVar:

NM_001270.4(CHD1):c.3993G>T (p.Arg1331Ser)

Gene: CHD1 (chromodomain helicase DNA binding protein 1; minus strand). Cytogenetic location: 5q15.
Variant type: single nucleotide variant.
Coding change: c.3993G>T on transcript NM_001270.4 (MANE Select); coding-DNA position 3993, G replaced by T.
Protein change: p.Arg1331Ser; replaces arginine 1331 with serine.
Molecular consequence: missense variant. On other transcripts: non-coding transcript variant (2).
Genome position (GRCh38, 1-based): chr5:98,869,868, C>A on the plus strand (G>T on the coding strand, the complement: CHD1 is on the minus strand). VCF-style: chr5-98869868-C-A. GRCh37 (hg19) VCF-style: chr5-98205572-C-A.
Other names: c.3993G>T, p.Arg1331Ser (NM_001364113.3, NM_001376194.2); short protein forms R1331S.
Identifiers: ClinVar variation 4847567 (VCV004847567.1).

ClinVar aggregate classification (germline): Uncertain significance (1 of 4 stars; one submission).

gnomAD v4.1: 222 of 1,598,104 alleles (0.014%); highest among the groups gnomAD compares: Non-Finnish European, 0.015%; no homozygotes.

Submission:

Women's Health and Genetics/Laboratory Corporation of America, LabCorp
Classification: Uncertain significance. Last evaluated: 2026-03-02. Review status: criteria provided, single submitter. Criteria: LabCorp Variant Classification Summary - May 2015. Collection method: clinical testing. Allele origin: germline.
Comment: Variant summary: CHD1 c.3993G>T (p.Arg1331Ser) results in a non-conservative amino acid change in the encoded protein sequence. Algorithms developed to predict the effect of missense changes on protein structure and function are either unavailable or do not agree on the potential impact of this missense change. The variant allele was found at a frequency of 0.00012 in 244232 control chromosomes. This frequency is not significantly higher than estimated for disease-causing variants in CHD1, allowing no conclusion about variant significance. To our knowledge, no occurrence of c.3993G>T in individuals affected with CHD1-related conditions and no experimental evidence demonstrating its impact on protein function have been reported. No submitters have cited clinical-significance assessments for this variant to ClinVar. Based on the evidence outlined above, the variant was classified as uncertain significance.